The following is an entry in ClinVar:

ClinVar aggregate classification (germline): Uncertain significance (1 of 4 stars; one submission).

Conditions:
Inborn genetic diseases. Identifiers: MedGen C0950123, MeSH D030342.

Submission:

Ambry Genetics
Classification: Uncertain significance for Inborn genetic diseases. Last evaluated: 2024-04-10. Review status: criteria provided, single submitter. Criteria: Ambry Variant Classification Scheme 2023. Collection method: clinical testing. Allele origin: germline.
Comment: The p.S754G variant (also known as c.2260A>G), located in coding exon 19 of the LRRK2 gene, results from an A to G substitution at nucleotide position 2260. The serine at codon 754 is replaced by glycine, an amino acid with similar properties. This amino acid position is conserved. In addition, this alteration is predicted to be tolerated by in silico analysis. Based on the available evidence, the clinical significance of this variant remains unclear.

NM_198578.4(LRRK2):c.2260A>G (p.Ser754Gly)

Gene: LRRK2 (leucine rich repeat kinase 2; plus strand). Cytogenetic location: 12q12.
Variant type: single nucleotide variant.
Coding change: c.2260A>G on transcript NM_198578.4 (MANE Select); coding-DNA position 2260, A replaced by G.
Protein change: p.Ser754Gly; replaces serine 754 with glycine.
Molecular consequence: missense variant.
Genome position (GRCh38, 1-based): chr12:40,283,893, A>G. VCF-style: chr12-40283893-A-G. GRCh37 (hg19) VCF-style: chr12-40677695-A-G.
Other names: short protein forms S754G.
Identifiers: ClinVar variation 3291951 (VCV003291951.1).
Genomic context (GRCh38, chr12:40,283,893, plus strand): 5'-AAATGTAGATTTTTAATATACTTAATTTTTTTTCTTTAATAGGTATGTGAGAAAGAGAGC[A>G]GTCCCAAATTGGTGGAACTCTTACTGAATAGTGGATCTCGTGAACAAGATGTACGAAAAG-3'
Protein context (NP_940980.4, residues 744-764): LICQVCEKES[Ser754Gly]PKLVELLLNS